The following is an entry in ClinVar:

ClinVar aggregate classification (germline): Likely benign. Review status: criteria provided, single submitter (1 of 4 stars). 2 submissions from 2 submitters: Likely benign (1). 1 of the submissions does not count toward it. Last evaluated 2026-01-12.

Conditions:
PHIP-related disorder. Also called: PHIP-related condition; PHIP-related disorders.

Allele frequency attached by ClinVar (database versions not stated): ESP Exome Variant Server 0.00008.
gnomAD v4.1: 34 of 1,601,348 alleles (0.0021%); highest among the groups gnomAD compares: South Asian, 0.0055%; no homozygotes.

Submissions (2):

Labcorp Genetics (formerly Invitae), Labcorp
Classification: Likely benign. Last evaluated: 2026-01-12. Review status: criteria provided, single submitter. Criteria: Invitae Variant Classification Sherloc (09022015). Collection method: clinical testing. Allele origin: germline.

PreventionGenetics, part of Exact Sciences
Classification: Likely benign for PHIP-related condition. Last evaluated: 2022-05-25. Review status: no assertion criteria provided. Collection method: clinical testing. Allele origin: germline. Not counted in ClinVar's aggregate classification.
Comment: This variant is classified as likely benign based on ACMG/AMP sequence variant interpretation guidelines (Richards et al. 2015 PMID: 25741868, with internal and published modifications).

NM_017934.7(PHIP):c.2496C>G (p.Ser832=)

Gene: PHIP (PHIP subunit of CUL4-Ring ligase complex; minus strand). Cytogenetic location: 6q14.1.
Variant type: single nucleotide variant.
Coding change: c.2496C>G on transcript NM_017934.7 (MANE Select); coding-DNA position 2496, C replaced by G.
Protein change: p.Ser832=; no amino-acid change (serine 832 retained).
Molecular consequence: synonymous variant.
Genome position (GRCh38, 1-based): chr6:78,985,393, G>C on the plus strand (C>G on the coding strand, the complement: PHIP is on the minus strand). VCF-style: chr6-78985393-G-C. GRCh37 (hg19) VCF-style: chr6-79695110-G-C.
Other names: c.2496C>G (NM_017934.6).
Identifiers: ClinVar variation 2196960 (VCV002196960.6), dbSNP rs376565558, ClinGen allele CA3899925.